The following is an entry in ClinVar:

NM_001127198.5(TMC6):c.73T>C (p.Tyr25His)

Gene: TMC6 (transmembrane channel like 6; minus strand). Cytogenetic location: 17q25.3.
Variant type: single nucleotide variant.
Coding change: c.73T>C on transcript NM_001127198.5 (MANE Select); coding-DNA position 73, T replaced by C.
Protein change: p.Tyr25His; replaces tyrosine 25 with histidine.
Molecular consequence: missense variant. On other transcripts: non-coding transcript variant (4).
Genome position (GRCh38, 1-based): chr17:78,126,632, A>G on the plus strand (T>C on the coding strand, the complement: TMC6 is on the minus strand). VCF-style: chr17-78126632-A-G. GRCh37 (hg19) VCF-style: chr17-76122713-A-G.
Other names: c.73T>C, p.Tyr25His (NM_001321185.1, NM_001374593.1, NM_001374594.1 and 4 more transcripts); c.73T>C (NM_007267.6); short protein forms Y25H.
Identifiers: ClinVar variation 565521 (VCV000565521.10), dbSNP rs765966901, ClinGen allele CA8796260.
Genomic context (GRCh38, chr17:78,126,632, plus strand): 5'-TGCACTGGCTCTGCTCCTGGATGAGCTGCTGGAAGGAGTCGTGCACTTCGCTTTCATCAT[A>G]GGGGCTGGGGCCCTGGCTGCAGAGGGGGTTGGCGGGGGGGTCAGGCTCCAGCCACCTCTC-3'
Protein context (NP_001120670.1, residues 15-35): PGDQGQGPSP[Tyr25His]DESEVHDSFQ

ClinVar aggregate classification (germline): Uncertain significance. Review status: criteria provided, multiple submitters, no conflicts (2 of 4 stars). 4 submissions from 4 submitters: Uncertain significance (4). Last evaluated 2024-07-10.

Conditions:
Epidermodysplasia verruciformis. Identifiers: Orphanet 302, MedGen C0014522, MONDO:0009176.
Inborn genetic diseases. Identifiers: MedGen C0950123, MeSH D030342.
Epidermodysplasia verruciformis, susceptibility to, 1. Identifiers: Orphanet 302, MedGen C4722564, MONDO:0100045, OMIM 226400.

Allele frequency attached by ClinVar (database versions not stated): TOPMed 0.00011; gnomAD exomes below 0.00001 and 0.00002; ExAC 0.00005; gnomAD 0.00010 and 0.00011.
gnomAD v4.1: 17 of 1,613,220 alleles (0.0011%); highest among the groups gnomAD compares: African/African-American, 0.02%; no homozygotes.

Submissions (4):

Ambry Genetics
Classification: Uncertain significance for Inborn genetic diseases. Last evaluated: 2024-07-10. Review status: criteria provided, single submitter. Criteria: Ambry Variant Classification Scheme 2023. Collection method: clinical testing. Allele origin: germline.

Labcorp Genetics (formerly Invitae), Labcorp
Classification: Uncertain significance for Epidermodysplasia verruciformis. Last evaluated: 2021-08-27. Review status: criteria provided, single submitter. Criteria: Invitae Variant Classification Sherloc (09022015). Collection method: clinical testing. Allele origin: germline.

Center for Genomics, Ann and Robert H. Lurie Children's Hospital of Chicago
Classification: Uncertain significance for Epidermodysplasia verruciformis, susceptibility to, 1. Last evaluated: 2021-03-30. Review status: criteria provided, single submitter. Criteria: ACMG Guidelines, 2015. Collection method: clinical testing. Allele origin: germline.
Comment: TMC6 NM_007267.7 exon 3 p.Tyr25His (c.73T>C): This variant has not been reported in the literature but is present in 0.03% (8/24734) of African alleles in the Genome Aggregation Database. This variant is present in ClinVar (Variation ID:565521). Evolutionary conservation suggests that this variant may not impact the protein; computational predictive tools for this variant are unclear. In summary, data on this variant is insufficient for disease classification. Therefore, the clinical significance of this variant is uncertain.

Blueprint Genetics
Classification: Uncertain significance. Last evaluated: 2019-06-22. Review status: criteria provided, single submitter. Criteria: ACMG Guidelines, 2015. Collection method: clinical testing. Allele origin: germline.